The following is an entry in ClinVar:

ClinVar aggregate classification (germline): Likely benign (0 of 4 stars; one submission).

Conditions:
MYO1E-related disorder. Also called: MYO1E-related condition.

Allele frequency attached by ClinVar (database versions not stated): gnomAD exomes 0.00001; ExAC 0.00003; gnomAD 0.00005; TOPMed 0.00005; ESP Exome Variant Server 0.00008.

Submission:

PreventionGenetics, part of Exact Sciences
Classification: Likely benign for MYO1E-related condition. Last evaluated: 2021-05-07. Review status: no assertion criteria provided. Collection method: clinical testing. Allele origin: germline.
Comment: This variant is classified as likely benign based on ACMG/AMP sequence variant interpretation guidelines (Richards et al. 2015 PMID: 25741868, with internal and published modifications).

NM_004998.4(MYO1E):c.511-12_511-10del

Gene: MYO1E (myosin IE; minus strand). Cytogenetic location: 15q22.2.
Variant type: Deletion.
Coding change: c.511-12_511-10del on transcript NM_004998.4 (MANE Select); 12 bases into the intron before coding-DNA position 511 through 10 bases into the intron before coding-DNA position 511, 3 bases deleted (ACT; older notation c.511-12_511-10delACT).
Molecular consequence: intron variant.
Genome position (GRCh38, 1-based): chr15:59,227,600-59,227,602, AGT deleted on the plus strand (ACT on the coding strand, the reverse complement: MYO1E is on the minus strand). VCF-style (leftmost placement, unchanged base first): chr15-59227599-AAGT-A. GRCh37 (hg19) VCF-style: chr15-59519798-AAGT-A.
Identifiers: ClinVar variation 3032100 (VCV003032100.2), dbSNP rs775921322, ClinGen allele CA7590290.
Genomic context (GRCh38, chr15:59,227,599, plus strand): 5'-TTCCACCATCTGGTTCCCCACCTGGACTGAACTGGATTTCAAAGTATTTTCCCTGCAAGA[AAGT>A]TAGGGATTTCCTTCAATGGTTGGTGAACAAAACATGATGTCCCAAACAGGCTTTGAATAC-3'